The following is an entry in ClinVar:

NM_004991.4(MECOM):c.3104T>C (p.Ile1035Thr)

Gene: MECOM (MDS1 and EVI1 complex locus; minus strand). Cytogenetic location: 3q26.2.
Variant type: single nucleotide variant.
Coding change: c.3104T>C on transcript NM_004991.4 (MANE Select); coding-DNA position 3104, T replaced by C.
Protein change: p.Ile1035Thr; replaces isoleucine 1035 with threonine.
Molecular consequence: missense variant.
Genome position (GRCh38, 1-based): chr3:169,093,018, A>G on the plus strand (T>C on the coding strand, the complement: MECOM is on the minus strand). VCF-style: chr3-169093018-A-G. GRCh37 (hg19) VCF-style: chr3-168810806-A-G.
Other names: c.2735T>C, p.Ile912Thr (NM_001105077.4); c.2540T>C, p.Ile847Thr (NM_001105078.4, NM_001205194.2, NM_001366469.2 and 1 more transcripts); c.2516T>C, p.Ile839Thr (NM_001163999.2, NM_001366470.2); c.2513T>C, p.Ile838Thr (NM_001164000.2, NM_001366471.2, NM_001366472.2); c.3077T>C, p.Ile1026Thr (NM_001366466.2); c.2543T>C, p.Ile848Thr (NM_001366467.2, NM_001366468.2); c.2105T>C, p.Ile702Thr (NM_001366473.2); c.1541T>C, p.Ile514Thr (NM_001366474.2); short protein forms I1026T, I514T, I912T, I848T, I1035T, I838T, I702T, I839T.
Identifiers: ClinVar variation 3394277 (VCV003394277.1).
Genomic context (GRCh38, chr3:169,093,018, plus strand): 5'-CTCTCCTCCACATTCCTGGGAGATTGGCTGCCATGGTTGCTGTTCCCAATGAAATTTCGA[A>G]TTTCTGTGAAGTAAGCATCTTCTTTGTCATCCAGAATCGCACCTGTACTTTCCAGTTCAG-3'
Protein context (NP_004982.2, residues 1025-1045): DDKEDAYFTE[Ile1035Thr]RNFIGNSNHG

ClinVar aggregate classification (germline): Uncertain significance (1 of 4 stars; one submission).

Conditions:
Inborn genetic diseases. Identifiers: MedGen C0950123, MeSH D030342.

gnomAD v4.1: 26 of 1,613,610 alleles (0.0016%); highest among the groups gnomAD compares: Non-Finnish European, 0.0022%; no homozygotes.

Submission:

Ambry Genetics
Classification: Uncertain significance for Inborn genetic diseases. Last evaluated: 2024-11-22. Review status: criteria provided, single submitter. Criteria: Ambry Variant Classification Scheme 2023. Collection method: clinical testing. Allele origin: germline.
Comment: The p.I1035T variant (also known as c.3104T>C), located in coding exon 14 of the MECOM gene, results from a T to C substitution at nucleotide position 3104. The isoleucine at codon 1035 is replaced by threonine, an amino acid with similar properties. This amino acid position is conserved. In addition, the in silico prediction for this alteration is inconclusive. Based on the available evidence, the clinical significance of this variant remains unclear.